The following is an entry in ClinVar:

ClinVar aggregate classification (germline): Conflicting classifications of pathogenicity. Review status: criteria provided, conflicting classifications (1 of 4 stars). 7 submissions from 7 submitters: Uncertain significance (1); Benign (1); Likely benign (5). Last evaluated 2026-01-04.

Conditions:
Dilated cardiomyopathy 1G (CMD1G). Identifiers: Orphanet 154, MedGen C1858763, MONDO:0011400, OMIM 604145.
Autosomal recessive limb-girdle muscular dystrophy type 2J (LGMDR10). Also called: MUSCULAR DYSTROPHY, LIMB-GIRDLE, AUTOSOMAL RECESSIVE 10; Limb-girdle muscular dystrophy, type 2J. Identifiers: Orphanet 140922, MedGen C1837342, MONDO:0012127, OMIM 608807.
Cardiomyopathy (CMYO). Also called: Cardiomyopathies. Identifiers: Orphanet 167848, MedGen C0878544, MONDO:0004994, HP:0001638. Inheritance: Various modes of inheritance.

Allele frequency attached by ClinVar (database versions not stated): gnomAD 0.00008 and 0.00007; ESP Exome Variant Server 0.00016; TOPMed 0.00007; ExAC 0.00002.
gnomAD v4.1: 211 of 1,613,448 alleles (0.013%); highest among the groups gnomAD compares: Non-Finnish European, 0.017%; no homozygotes.

Submissions (7):

Labcorp Genetics (formerly Invitae), Labcorp
Classification: Likely benign for Dilated cardiomyopathy 1G; Autosomal recessive limb-girdle muscular dystrophy type 2J. Last evaluated: 2026-01-04. Review status: criteria provided, single submitter. Criteria: Invitae Variant Classification Sherloc (09022015). Collection method: clinical testing. Allele origin: germline.

Women's Health and Genetics/Laboratory Corporation of America, LabCorp
Classification: Likely benign. Last evaluated: 2024-06-11. Review status: criteria provided, single submitter. Criteria: LabCorp Variant Classification Summary - May 2015. Collection method: clinical testing. Allele origin: germline.

Blueprint Genetics
Classification: Likely benign. Last evaluated: 2024-03-03. Review status: criteria provided, single submitter. Criteria: ACMG Guidelines, 2015. Collection method: clinical testing. Allele origin: germline.

CHEO Genetics Diagnostic Laboratory, Children's Hospital of Eastern Ontario
Classification: Likely benign for Cardiomyopathy. Last evaluated: 2020-04-20. Review status: criteria provided, single submitter. Criteria: ACMG Guidelines, 2015. Collection method: clinical testing. Allele origin: germline.

Athena Diagnostics
Classification: Likely benign. Last evaluated: 2018-11-05. Review status: criteria provided, single submitter. Criteria: Athena Diagnostics Criteria. Collection method: clinical testing. Allele origin: germline.

Eurofins Ntd Llc (ga)
Classification: Uncertain significance. Last evaluated: 2015-11-12. Review status: criteria provided, single submitter. Criteria: EGL Classification Definitions 2015. Collection method: clinical testing. Allele origin: germline. Observed: 2 variant alleles, 2 heterozygotes.

GeneDx
Classification: Benign. Last evaluated: 2014-06-23. Review status: criteria provided, single submitter. Criteria: GeneDx Variant Classification (06012015). Collection method: clinical testing. Allele origin: germline. Affected: yes.
Comment: This variant is considered likely benign or benign based on one or more of the following criteria: it is a conservative change, it occurs at a poorly conserved position in the protein, it is predicted to be benign by multiple in silico algorithms, and/or has population frequency not consistent with disease.

NM_001267550.2(TTN):c.21276C>T (p.Thr7092=)

Genes: TTN (titin; minus strand), LOC126806428 (BRD4-independent group 4 enhancer GRCh37_chr2:179588362-179589561; plus strand). Cytogenetic location: 2q31.2.
Variant type: single nucleotide variant.
Coding change: c.21276C>T on transcript NM_001267550.2 (MANE Select); coding-DNA position 21276, C replaced by T.
Protein change: p.Thr7092=; no amino-acid change (threonine 7092 retained).
Molecular consequence: synonymous variant. On other transcripts: intron variant (3).
Genome position (GRCh38, 1-based): chr2:178,723,983, G>A on the plus strand (C>T on the coding strand, the complement: TTN is on the minus strand). VCF-style: chr2-178723983-G-A. GRCh37 (hg19) VCF-style: chr2-179588710-G-A.
Other names: p.T6775T:ACC>ACT; c.20325C>T, p.Thr6775= (NM_001256850.1); c.17544C>T, p.Thr5848= (NM_133378.4); c.13282+14099C>T (NM_003319.4); c.13858+14099C>T (NM_133437.4); c.13657+14099C>T (NM_133432.3).
Identifiers: ClinVar variation 202294 (VCV000202294.22), dbSNP rs372264428, ClinGen allele CA308996.
Genomic context (GRCh38, chr2:178,723,983, plus strand): 5'-GCCCATATCTGAGGAATCCAGAGAATTCAACTGCAATGTGCAGACATTATCTGAAAATGT[G>A]GTTTGGTACTTTGCTCCACTGACAATCTTGGTTTTCTCATGAAACCAGGCAACTGAAATA-3'
Protein context (NP_001254479.2, residues 7082-7102): TKIVSGAKYQ[Thr7092=]TFSDNVCTLQ